The following is an entry in ClinVar:

ClinVar aggregate classification (germline): Likely benign. Review status: criteria provided, multiple submitters, no conflicts (2 of 4 stars). 4 submissions from 4 submitters: Likely benign (4). Last evaluated 2026-08-01.

Conditions:
F5-related disorder. Also called: F5-related condition.
Congenital factor V deficiency. Also called: LABILE FACTOR DEFICIENCY; OWREN PARAHEMOPHILIA; PARAHEMOPHILIA; Hereditary factor V deficiency disease. Identifiers: Orphanet 326, MedGen C0015499, MONDO:0009210, OMIM 227400.
Inborn genetic diseases. Identifiers: MedGen C0950123, MeSH D030342.

Allele frequency attached by ClinVar (database versions not stated): ExAC 0.00032; gnomAD exomes 0.00036; TOPMed 0.00054; gnomAD 0.00055 and 0.00058; ESP Exome Variant Server 0.00100.

Submissions (4):

CeGaT Center for Human Genetics Tuebingen
Classification: Likely benign. Last evaluated: 2026-08-01. Review status: criteria provided, single submitter. Criteria: CeGaT Center For Human Genetics Tuebingen Variant Classification Criteria Version 2. Collection method: clinical testing. Allele origin: germline. Affected: yes. Observed: 1 variant allele.
Comment: F5: BP4, BP7

Labcorp Genetics (formerly Invitae), Labcorp
Classification: Likely benign for Congenital factor V deficiency. Last evaluated: 2026-01-26. Review status: criteria provided, single submitter. Criteria: Invitae Variant Classification Sherloc (09022015). Collection method: clinical testing. Allele origin: germline.

PreventionGenetics, part of Exact Sciences
Classification: Likely benign for F5-related condition. Last evaluated: 2025-10-19. Review status: criteria provided, single submitter. Criteria: ACMG Guidelines, 2015. Collection method: clinical testing. Allele origin: germline.
Comment: This variant is classified as likely benign based on ACMG/AMP sequence variant interpretation guidelines (Richards et al. 2015 PMID: 25741868, with internal and published modifications).

Ambry Genetics
Classification: Likely benign for Inborn genetic diseases. Last evaluated: 2022-04-11. Review status: criteria provided, single submitter. Criteria: Ambry Variant Classification Scheme 2023. Collection method: clinical testing. Allele origin: germline.

NM_000130.5(F5):c.1086C>T (p.Asp362=)

Gene: F5 (coagulation factor V; minus strand). Cytogenetic location: 1q24.2.
Variant type: single nucleotide variant.
Coding change: c.1086C>T on transcript NM_000130.5 (MANE Select); coding-DNA position 1086, C replaced by T.
Protein change: p.Asp362=; no amino-acid change (aspartic acid 362 retained).
Molecular consequence: synonymous variant.
Genome position (GRCh38, 1-based): chr1:169,555,214, G>A on the plus strand (C>T on the coding strand, the complement: F5 is on the minus strand). VCF-style: chr1-169555214-G-A. GRCh37 (hg19) VCF-style: chr1-169524452-G-A.
Identifiers: ClinVar variation 712894 (VCV000712894.10), dbSNP rs147952496, ClinGen allele CA1234442.